The following is an entry in ClinVar:

ClinVar aggregate classification (germline): Uncertain significance (1 of 4 stars; one submission).

Conditions:
Familial hypercholesterolemia. Also called: Familial hypercholesterolaemia. Identifiers: MedGen C0020445, MONDO:0005439.

Submission:

Color Diagnostics, LLC DBA Color Health
Classification: Uncertain significance for Familial hypercholesterolemia. Last evaluated: 2025-12-09. Review status: criteria provided, single submitter. Criteria: ACMG Guidelines, 2015. Collection method: clinical testing. Allele origin: germline.
Comment: This missense variant replaces phenylalanine with leucine at codon 515 of the PCSK9 protein. Computational prediction suggests that this variant may not impact protein structure and function. To our knowledge, functional studies have not been reported for this variant. This variant has been reported in individuals affected with high level of low density lipoportein (LDLPMID: 16465619, 21115573). This variant has been identified in 1/1565050 chromosomes in the general population by the Genome Aggregation Database (gnomAD). The available evidence is insufficient to determine the role of this variant in disease conclusively. Therefore, this variant is classified as a Variant of Uncertain Significance.

NM_174936.4(PCSK9):c.1545T>G (p.Phe515Leu)

Gene: PCSK9 (proprotein convertase subtilisin/kexin type 9; plus strand). Cytogenetic location: 1p32.3.
Variant type: single nucleotide variant.
Coding change: c.1545T>G on transcript NM_174936.4 (MANE Select); coding-DNA position 1545, T replaced by G.
Protein change: p.Phe515Leu; replaces phenylalanine 515 with leucine.
Molecular consequence: missense variant. On other transcripts: non-coding transcript variant (7), intron variant (1).
Genome position (GRCh38, 1-based): chr1:55,059,527, T>G. VCF-style: chr1-55059527-T-G. GRCh37 (hg19) VCF-style: chr1-55525200-T-G.
Other names: c.1668T>G, p.Phe556Leu (NM_001407240.1); c.1587T>G, p.Phe529Leu (NM_001407241.1); c.1548T>G, p.Phe516Leu (NM_001407242.1); c.1488T>G, p.Phe496Leu (NM_001407243.1); c.1371T>G, p.Phe457Leu (NM_001407244.1); c.1353T>G, p.Phe451Leu (NM_001407245.1); c.1170T>G, p.Phe390Leu (NM_001407246.1); c.1181-1848T>G (NM_001407247.1); short protein forms F390L, F451L, F457L, F496L, F515L, F516L, F529L, F556L.
Identifiers: ClinVar variation 4756319 (VCV004756319.1).